The following is an entry in ClinVar:

ClinVar aggregate classification (germline): Uncertain significance (1 of 4 stars; one submission).

Submission:

Labcorp Genetics (formerly Invitae), Labcorp
Classification: Uncertain significance. Last evaluated: 2025-06-02. Review status: criteria provided, single submitter. Criteria: Invitae Variant Classification Sherloc (09022015). Collection method: clinical testing. Allele origin: germline.
Comment: This sequence change replaces proline, which is neutral and non-polar, with leucine, which is neutral and non-polar, at codon 624 of the KANK4 protein (p.Pro624Leu). The frequency data for this variant in the population databases is considered unreliable, as metrics indicate poor data quality at this position in the gnomAD database. This variant has not been reported in the literature in individuals affected with KANK4-related conditions. ClinVar contains an entry for this variant (Variation ID: 3718417). An algorithm developed to predict the effect of missense changes on protein structure and function (PolyPhen-2) suggests that this variant is likely to be disruptive. In summary, the available evidence is currently insufficient to determine the role of this variant in disease. Therefore, it has been classified as a Variant of Uncertain Significance.

NM_181712.5(KANK4):c.1871_1872inv (p.Pro624Leu)

Gene: KANK4 (KN motif and ankyrin repeat domains 4; minus strand). Cytogenetic location: 1p31.3.
Variant type: Inversion.
Coding change: c.1871_1872inv on transcript NM_181712.5 (MANE Select).
Protein change: p.Pro624Leu; replaces proline 624 with leucine.
Molecular consequence: missense variant. On other transcripts: intron variant (1).
Genome position: GRCh38 VCF-style: chr1-62273232-TG-CA. GRCh37 (hg19) VCF-style: chr1-62738904-TG-CA.
Other names: c.17-1644_17-1643inv (NM_001320269.2); short protein forms P624L.
Identifiers: ClinVar variation 3718417 (VCV003718417.2).